The following is an entry in ClinVar:

NM_176824.3(BBS7):c.1334A>T (p.Tyr445Phe)

Gene: BBS7 (Bardet-Biedl syndrome 7; minus strand). Cytogenetic location: 4q27.
Variant type: single nucleotide variant.
Coding change: c.1334A>T on transcript NM_176824.3 (MANE Select); coding-DNA position 1334, A replaced by T.
Protein change: p.Tyr445Phe; replaces tyrosine 445 with phenylalanine.
Molecular consequence: missense variant.
Genome position (GRCh38, 1-based): chr4:121,839,668, T>A on the plus strand (A>T on the coding strand, the complement: BBS7 is on the minus strand). VCF-style: chr4-121839668-T-A. GRCh37 (hg19) VCF-style: chr4-122760823-T-A.
Other names: c.1334A>T, p.Tyr445Phe (NM_018190.4); short protein forms Y445F.
Identifiers: ClinVar variation 1362117 (VCV001362117.8), dbSNP rs776931328, ClinGen allele CA358060223.

ClinVar aggregate classification (germline): Uncertain significance (1 of 4 stars; one submission).

Conditions:
Bardet-Biedl syndrome (BBS). Identifiers: Orphanet 110, MedGen C0752166, MONDO:0015229.

Submission:

Labcorp Genetics (formerly Invitae), Labcorp
Classification: Uncertain significance for Bardet-Biedl syndrome. Last evaluated: 2021-06-18. Review status: criteria provided, single submitter. Criteria: Invitae Variant Classification Sherloc (09022015). Collection method: clinical testing. Allele origin: germline.
Comment: In summary, the available evidence is currently insufficient to determine the role of this variant in disease. Therefore, it has been classified as a Variant of Uncertain Significance. Algorithms developed to predict the effect of missense changes on protein structure and function are either unavailable or do not agree on the potential impact of this missense change (SIFT: "Deleterious"; PolyPhen-2: "Possibly Damaging"; Align-GVGD: "Class C15"). This variant has not been reported in the literature in individuals with BBS7-related conditions. This variant is not present in population databases (ExAC no frequency). This sequence change replaces tyrosine with phenylalanine at codon 445 of the BBS7 protein (p.Tyr445Phe). The tyrosine residue is highly conserved and there is a small physicochemical difference between tyrosine and phenylalanine.